The following is an entry in ClinVar:

ClinVar aggregate classification (germline): Uncertain significance (1 of 4 stars; one submission).

Conditions:
Pontocerebellar hypoplasia, type 11. Identifiers: Orphanet 611247, MedGen C4540164, MONDO:0054669, OMIM 617695.

Allele frequency attached by ClinVar (database versions not stated): gnomAD exomes 0.00006; 1000 Genomes Project 0.00020; TOPMed 0.00043; gnomAD 0.00056.
gnomAD v4.1: 142 of 1,238,006 alleles (0.011%); highest among the groups gnomAD compares: Admixed American, 0.25%; no homozygotes.

Submission:

Revvity Omics, Revvity
Classification: Uncertain significance for Pontocerebellar hypoplasia, type 11. Last evaluated: 2022-09-09. Review status: criteria provided, single submitter. Criteria: ACMG Guidelines, 2015. Collection method: clinical testing. Allele origin: germline.

NM_001199198.3(TBC1D23):c.53+100G>A

Gene: TBC1D23 (TBC1 domain family member 23; plus strand). Cytogenetic location: 3q12.1.
Variant type: single nucleotide variant.
Coding change: c.53+100G>A on transcript NM_001199198.3 (MANE Select); 100 bases into the intron after coding-DNA position 53, G replaced by A.
Molecular consequence: intron variant.
Genome position (GRCh38, 1-based): chr3:100,261,171, G>A. VCF-style: chr3-100261171-G-A. GRCh37 (hg19) VCF-style: chr3-99980015-G-A.
Other names: c.53+100G>A (NM_018309.5).
Identifiers: ClinVar variation 2436958 (VCV002436958.5), dbSNP rs566422676, ClinGen allele CA79616805.